The following is an entry in ClinVar:

ClinVar aggregate classification (germline): Likely benign. Review status: criteria provided, multiple submitters, no conflicts (2 of 4 stars). 3 submissions from 3 submitters: Likely benign (3). Last evaluated 2024-12-28.

Conditions:
SASS6-related disorder. Also called: SASS6-related condition.

Allele frequency attached by ClinVar (database versions not stated): 1000 Genomes Project 0.00060; 1000 Genomes Project 30x 0.00094; gnomAD 0.00134; gnomAD exomes 0.00162 and 0.00253; ExAC 0.00174; TOPMed 0.00190; ESP Exome Variant Server 0.00192.
gnomAD v4.1: 3,901 of 1,608,864 alleles (0.24%); highest among the groups gnomAD compares: Non-Finnish European, 0.3%; 6 homozygotes.

Submissions (3):

PreventionGenetics, part of Exact Sciences
Classification: Likely benign for SASS6-related condition. Last evaluated: 2024-12-28. Review status: criteria provided, single submitter. Criteria: ACMG Guidelines, 2015. Collection method: clinical testing. Allele origin: germline.
Comment: This variant is classified as likely benign based on ACMG/AMP sequence variant interpretation guidelines (Richards et al. 2015 PMID: 25741868, with internal and published modifications).

Labcorp Genetics (formerly Invitae), Labcorp
Classification: Likely benign. Last evaluated: 2019-12-31. Review status: criteria provided, single submitter. Criteria: Invitae Variant Classification Sherloc (09022015). Collection method: clinical testing. Allele origin: germline.

Breakthrough Genomics
Classification: Likely benign. Review status: criteria provided, single submitter. Criteria: ACMG Guidelines, 2015. Collection method: not provided. Allele origin: germline. Inheritance: Autosomal recessive inheritance. Affected: yes.

NM_194292.3(SASS6):c.768G>C (p.Glu256Asp)

Gene: SASS6 (SAS-6 centriolar assembly protein; minus strand). Cytogenetic location: 1p21.2.
Variant type: single nucleotide variant.
Coding change: c.768G>C on transcript NM_194292.3 (MANE Select); coding-DNA position 768, G replaced by C.
Protein change: p.Glu256Asp; replaces glutamic acid 256 with aspartic acid.
Molecular consequence: missense variant.
Genome position (GRCh38, 1-based): chr1:100,110,385, C>G on the plus strand (G>C on the coding strand, the complement: SASS6 is on the minus strand). VCF-style: chr1-100110385-C-G. GRCh37 (hg19) VCF-style: chr1-100575941-C-G.
Other names: c.267G>C, p.Glu89Asp (NM_001304829.2); short protein forms E256D, E89D.
Identifiers: ClinVar variation 731580 (VCV000731580.6), dbSNP rs77741912, ClinGen allele CA968425.